The following is an entry in ClinVar:

ClinVar aggregate classification (germline): Uncertain significance (1 of 4 stars; one submission).

Conditions:
SH2B1-related disorder. Also called: SH2B1-related condition.

Allele frequency attached by ClinVar (database versions not stated): gnomAD 0.00003; gnomAD exomes 0.00004; ExAC 0.00013; 1000 Genomes Project 30x 0.00016; 1000 Genomes Project 0.00020.
gnomAD v4.1: 72 of 1,614,078 alleles (0.0045%); highest among the groups gnomAD compares: South Asian, 0.074%; no homozygotes.

Submission:

PreventionGenetics, part of Exact Sciences
Classification: Uncertain significance for SH2B1-related condition. Last evaluated: 2022-10-17. Review status: criteria provided, single submitter. Criteria: ACMG Guidelines, 2015. Collection method: clinical testing. Allele origin: germline.
Comment: The SH2B1 c.1012C>T variant is predicted to result in the amino acid substitution p.Pro338Ser. To our knowledge, this variant has not been reported in the literature. This variant is reported in 0.088% of alleles in individuals of South Asian descent in gnomAD. At this time, the clinical significance of this variant is uncertain due to the absence of conclusive functional and genetic evidence.

NM_001387430.1(SH2B1):c.1012C>T (p.Pro338Ser)

Gene: SH2B1 (SH2B adaptor protein 1; plus strand). Cytogenetic location: 16p11.2.
Variant type: single nucleotide variant.
Coding change: c.1012C>T on transcript NM_001387430.1 (MANE Select); coding-DNA position 1012, C replaced by T.
Protein change: p.Pro338Ser; replaces proline 338 with serine.
Molecular consequence: missense variant.
Genome position (GRCh38, 1-based): chr16:28,867,403, C>T. VCF-style: chr16-28867403-C-T. GRCh37 (hg19) VCF-style: chr16-28878724-C-T.
Other names: c.1012C>T, p.Pro338Ser (NM_001145795.2, NM_001145796.2, NM_001145797.2 and 4 more transcripts); c.4C>T, p.Pro2Ser (NM_001308294.2); short protein forms P2S, P338S.
Identifiers: ClinVar variation 2634600 (VCV002634600.1), dbSNP rs576962727, ClinGen allele CA7986060.